The following is an entry in ClinVar:

NM_000179.3(MSH6):c.1603T>A (p.Tyr535Asn)

Gene: MSH6 (mutS homolog 6; plus strand). Cytogenetic location: 2p16.3.
Variant type: single nucleotide variant.
Coding change: c.1603T>A on transcript NM_000179.3 (MANE Select); coding-DNA position 1603, T replaced by A.
Protein change: p.Tyr535Asn; replaces tyrosine 535 with asparagine.
Molecular consequence: missense variant.
Genome position (GRCh38, 1-based): chr2:47,799,586, T>A. VCF-style: chr2-47799586-T-A. GRCh37 (hg19) VCF-style: chr2-48026725-T-A.
Other names: c.1213T>A, p.Tyr405Asn (NM_001281492.2); c.697T>A, p.Tyr233Asn (NM_001281493.2, NM_001281494.2); short protein forms Y535N, Y233N, Y405N.
Identifiers: ClinVar variation 1484136 (VCV001484136.8), dbSNP rs2104354716, ClinGen allele CA346746976.
Genomic context (GRCh38, chr2:47,799,586, plus strand): 5'-AGGATCATTACCAAGGGTACACAGACTTACAGTGTGCTGGAAGGTGATCCCTCTGAGAAC[T>A]ACAGTAAGTATCTTCTTAGCCTCAAAGAAAAAGAGGAAGATTCTTCTGGCCATACTCGTG-3'
Protein context (NP_000170.1, residues 525-545): SVLEGDPSEN[Tyr535Asn]SKYLLSLKEK

ClinVar aggregate classification (germline): Uncertain significance (1 of 4 stars; one submission).

Conditions:
Hereditary nonpolyposis colorectal neoplasms. Identifiers: MedGen C0009405, MeSH D003123.

Submission:

Labcorp Genetics (formerly Invitae), Labcorp
Classification: Uncertain significance for Hereditary nonpolyposis colorectal neoplasms. Last evaluated: 2020-11-13. Review status: criteria provided, single submitter. Criteria: Invitae Variant Classification Sherloc (09022015). Collection method: clinical testing. Allele origin: germline.
Comment: This sequence change replaces tyrosine with asparagine at codon 535 of the MSH6 protein (p.Tyr535Asn). The tyrosine residue is weakly conserved and there is a large physicochemical difference between tyrosine and asparagine. This variant is not present in population databases (ExAC no frequency). This variant has not been reported in the literature in individuals with MSH6-related conditions. Advanced modeling of protein sequence and biophysical properties (such as structural, functional, and spatial information, amino acid conservation, physicochemical variation, residue mobility, and thermodynamic stability) performed at Invitae indicates that this missense variant is not expected to disrupt MSH6 protein function. In summary, the available evidence is currently insufficient to determine the role of this variant in disease. Therefore, it has been classified as a Variant of Uncertain Significance.